The following is an entry in ClinVar:

ClinVar aggregate classification (germline): Pathogenic. Review status: criteria provided, multiple submitters, no conflicts (2 of 4 stars). 3 submissions from 3 submitters: Pathogenic (3). Last evaluated 2024-03-30.

Conditions:
USH2A-related disorder. Also called: USH2A-related condition; USH2A-related disorders. Identifiers: MedGen CN239332.
Retinitis pigmentosa 39 (RP39). Identifiers: Orphanet 791, MedGen C3151138, MONDO:0013436, OMIM 613809.

Submissions (3):

Baylor Genetics
Classification: Pathogenic for Retinitis pigmentosa 39. Last evaluated: 2024-03-30. Review status: criteria provided, single submitter. Criteria: ACMG Guidelines, 2015. Collection method: clinical testing. Allele origin: unknown.

Myriad Genetics, Inc.
Classification: Pathogenic for USH2A-related disorder. Last evaluated: 2023-10-11. Review status: criteria provided, single submitter. Criteria: Myriad Autosomal Dominant, Autosomal Recessive and X-Linked Classification Criteria (2023). Collection method: clinical testing. Allele origin: unknown.
Comment: NM_206933.2(USH2A):c.10962C>A(Y3654*) is expected to be pathogenic in the context of USH2A-related disorders. This variant is predicted to lead to an abnormal or absent protein product due to the creation of a premature termination codon in USH2A, a gene where loss-of-function variants are known to be pathogenic. Please note: this variant was assessed in the context of healthy population screening.

Labcorp Genetics (formerly Invitae), Labcorp
Classification: Pathogenic. Last evaluated: 2019-09-21. Review status: criteria provided, single submitter. Criteria: Invitae Variant Classification Sherloc (09022015). Collection method: clinical testing. Allele origin: germline.
Comment: For these reasons, this variant has been classified as Pathogenic. Loss-of-function variants in USH2A are known to be pathogenic (PMID: 10729113, 10909849, 20507924, 25649381). This variant has not been reported in the literature in individuals with USH2A-related conditions. This variant is not present in population databases (ExAC no frequency). This sequence change creates a premature translational stop signal (p.Tyr3654*) in the USH2A gene. It is expected to result in an absent or disrupted protein product.

Literature cited by the submitters: PubMed 10729113 (cited by Labcorp Genetics (formerly Invitae), Labcorp); PubMed 10909849 (cited by Labcorp Genetics (formerly Invitae), Labcorp); PubMed 20507924 (cited by Labcorp Genetics (formerly Invitae), Labcorp); PubMed 25649381 (cited by Labcorp Genetics (formerly Invitae), Labcorp).

NM_206933.4(USH2A):c.10962C>A (p.Tyr3654Ter)

Gene: USH2A (usherin; minus strand). Cytogenetic location: 1q41.
Variant type: single nucleotide variant.
Coding change: c.10962C>A on transcript NM_206933.4 (MANE Select); coding-DNA position 10962, C replaced by A.
Protein change: p.Tyr3654Ter; replaces tyrosine 3654 with a stop codon.
Molecular consequence: nonsense.
Genome position (GRCh38, 1-based): chr1:215,766,766, G>T on the plus strand (C>A on the coding strand, the complement: USH2A is on the minus strand). VCF-style: chr1-215766766-G-T. GRCh37 (hg19) VCF-style: chr1-215940108-G-T.
Other names: short protein forms Y3654*.
Identifiers: ClinVar variation 939339 (VCV000939339.9), dbSNP rs1661141590, ClinGen allele CA344827353.
Genomic context (GRCh38, chr1:215,766,766, plus strand): 5'-ACCTAGAAAAGGCTCGCTTGAAGTGCACCCAGCAGATGTACAAGCTGTAAGAGTGAAGCT[G>T]TAGTTGGTGTATGGCTGGAGACCTAGAAAAAGCAAGCAAGAAATAAAGTGCACCTTAAGA-3'